The following is an entry in ClinVar:

ClinVar aggregate classification (germline): Uncertain significance. Review status: criteria provided, multiple submitters, no conflicts (2 of 4 stars). 2 submissions from 2 submitters: Uncertain significance (2). Last evaluated 2023-07-31.

Conditions:
Adams-Oliver syndrome 5 (AOS5). Identifiers: Orphanet 974, MedGen C4014970, MONDO:0014459, OMIM 616028.

Allele frequency attached by ClinVar (database versions not stated): gnomAD exomes below 0.00001; TOPMed below 0.00001; gnomAD 0.00001.
gnomAD v4.1: 7 of 1,611,346 alleles (0.00043%); highest among the groups gnomAD compares: Non-Finnish European, 0.00051%; no homozygotes.

Submissions (2):

GeneDx
Classification: Uncertain significance. Last evaluated: 2023-07-31. Review status: criteria provided, single submitter. Criteria: GeneDx Variant Classification Process June 2021. Collection method: clinical testing. Allele origin: germline. Affected: yes.
Comment: Not observed at significant frequency in large population cohorts (gnomAD); In silico analysis supports that this missense variant does not alter protein structure/function; Has not been previously published as pathogenic or benign to our knowledge

Labcorp Genetics (formerly Invitae), Labcorp
Classification: Uncertain significance for Adams-Oliver syndrome 5. Last evaluated: 2021-11-12. Review status: criteria provided, single submitter. Criteria: Invitae Variant Classification Sherloc (09022015). Collection method: clinical testing. Allele origin: germline.
Comment: Advanced modeling of protein sequence and biophysical properties (such as structural, functional, and spatial information, amino acid conservation, physicochemical variation, residue mobility, and thermodynamic stability) performed at Invitae indicates that this missense variant is not expected to disrupt NOTCH1 protein function. In summary, the available evidence is currently insufficient to determine the role of this variant in disease. Therefore, it has been classified as a Variant of Uncertain Significance. This variant has not been reported in the literature in individuals affected with NOTCH1-related conditions. This variant is not present in population databases (gnomAD no frequency). This sequence change replaces valine, which is neutral and non-polar, with methionine, which is neutral and non-polar, at codon 1245 of the NOTCH1 protein (p.Val1245Met).

NM_017617.5(NOTCH1):c.3733G>A (p.Val1245Met)

Gene: NOTCH1 (notch receptor 1; minus strand). Cytogenetic location: 9q34.3.
Variant type: single nucleotide variant.
Coding change: c.3733G>A on transcript NM_017617.5 (MANE Select); coding-DNA position 3733, G replaced by A.
Protein change: p.Val1245Met; replaces valine 1245 with methionine.
Molecular consequence: missense variant.
Genome position (GRCh38, 1-based): chr9:136,506,884, C>T on the plus strand (G>A on the coding strand, the complement: NOTCH1 is on the minus strand). VCF-style: chr9-136506884-C-T. GRCh37 (hg19) VCF-style: chr9-139401336-C-T.
Other names: c.3733G>A (NM_017617.3); short protein forms V1245M.
Identifiers: ClinVar variation 1417718 (VCV001417718.7), dbSNP rs926643780, ClinGen allele CA201578990.